The following is an entry in ClinVar:

ClinVar aggregate classification (germline): Pathogenic/Likely pathogenic. Review status: criteria provided, multiple submitters, no conflicts (2 of 4 stars). 2 submissions from 2 submitters: Pathogenic (1); Likely pathogenic (1). Last evaluated 2021-02-22.

Conditions:
SCNN1A-related disorder. Also called: SCNN1A-related condition; SCNN1A-related disorders.

Allele frequency attached by ClinVar (database versions not stated): gnomAD exomes below 0.00001 and 0.00002; TOPMed below 0.00001; ExAC 0.00001; gnomAD 0.00001.

Submissions (2):

Blueprint Genetics
Classification: Likely pathogenic for SCNN1A-related disorders. Last evaluated: 2021-02-22. Review status: criteria provided, single submitter. Criteria: ACMG Guidelines, 2015. Collection method: clinical testing. Allele origin: germline. Affected: yes. Observed: 2 variant alleles.

Labcorp Genetics (formerly Invitae), Labcorp
Classification: Pathogenic. Last evaluated: 2017-10-30. Review status: criteria provided, single submitter. Criteria: Invitae Variant Classification Sherloc (09022015). Collection method: clinical testing. Allele origin: germline.
Comment: For these reasons, this variant has been classified as Pathogenic. Loss-of-function variants in SCNN1A are known to be pathogenic (PMID: 10403853, 23416952). This variant has not been reported in the literature in individuals with SCNN1A-related disease. This variant is present in population databases (rs769580746, ExAC 0.001%). This sequence change creates a premature translational stop signal (p.Tyr252Thrfs*79) in the SCNN1A gene. It is expected to result in an absent or disrupted protein product.

Literature cited by the submitters: PubMed 10403853 (cited by Labcorp Genetics (formerly Invitae), Labcorp); PubMed 23416952 (cited by Labcorp Genetics (formerly Invitae), Labcorp).

NM_001038.6(SCNN1A):c.754del (p.Tyr252fs)

Gene: SCNN1A (sodium channel epithelial 1 subunit alpha; minus strand). Cytogenetic location: 12p13.31.
Variant type: Deletion.
Coding change: c.754del on transcript NM_001038.6 (MANE Select); coding-DNA position 754, one base deleted (T; older notation c.754delT).
Protein change: p.Tyr252fs; shifts the reading frame from tyrosine 252.
Molecular consequence: frameshift variant.
Genome position (GRCh38, 1-based): chr12:6,362,172, A deleted on the plus strand (T on the coding strand, the reverse complement: SCNN1A is on the minus strand). VCF-style (leftmost placement, unchanged base first): chr12-6362171-TA-T. GRCh37 (hg19) VCF-style: chr12-6471337-TA-T.
Other names: c.823del, p.Tyr275fs (NM_001159575.2); c.931del, p.Tyr311fs (NM_001159576.2); short protein forms Y252fs, Y275fs, Y311fs.
Identifiers: ClinVar variation 1070290 (VCV001070290.8), dbSNP rs769580746, ClinGen allele CA6406116.